The following is an entry in ClinVar:

ClinVar aggregate classification (germline): Uncertain significance. Review status: criteria provided, multiple submitters, no conflicts (2 of 4 stars). 2 submissions from 2 submitters: Uncertain significance (2). Last evaluated 2024-09-27.

Conditions:
Inborn genetic diseases. Identifiers: MedGen C0950123, MeSH D030342.

Allele frequency attached by ClinVar (database versions not stated): gnomAD exomes 0.00001; ExAC 0.00003; TOPMed 0.00006; 1000 Genomes Project 30x 0.00016; 1000 Genomes Project 0.00020.

Submissions (2):

Ambry Genetics
Classification: Uncertain significance for Inborn genetic diseases. Last evaluated: 2024-09-27. Review status: criteria provided, single submitter. Criteria: Ambry Variant Classification Scheme 2023. Collection method: clinical testing. Allele origin: germline.

Labcorp Genetics (formerly Invitae), Labcorp
Classification: Uncertain significance. Last evaluated: 2022-03-26. Review status: criteria provided, single submitter. Criteria: Invitae Variant Classification Sherloc (09022015). Collection method: clinical testing. Allele origin: germline.
Comment: This sequence change replaces glycine, which is neutral and non-polar, with arginine, which is basic and polar, at codon 153 of the SPEG protein (p.Gly153Arg). This variant is present in population databases (rs538535999, gnomAD 0.01%). This variant has not been reported in the literature in individuals affected with SPEG-related conditions. Algorithms developed to predict the effect of missense changes on protein structure and function output the following: SIFT: "Tolerated"; PolyPhen-2: "Benign"; Align-GVGD: "Class C0". The arginine amino acid residue is found in multiple mammalian species, which suggests that this missense change does not adversely affect protein function. In summary, the available evidence is currently insufficient to determine the role of this variant in disease. Therefore, it has been classified as a Variant of Uncertain Significance.

NM_005876.5(SPEG):c.457G>A (p.Gly153Arg)

Gene: SPEG (striated muscle enriched protein kinase; plus strand). Cytogenetic location: 2q35.
Variant type: single nucleotide variant.
Coding change: c.457G>A on transcript NM_005876.5 (MANE Select); coding-DNA position 457, G replaced by A.
Protein change: p.Gly153Arg; replaces glycine 153 with arginine.
Molecular consequence: missense variant.
Genome position (GRCh38, 1-based): chr2:219,444,721, G>A. VCF-style: chr2-219444721-G-A. GRCh37 (hg19) VCF-style: chr2-220309443-G-A.
Other names: c.457G>A (NM_005876.4); short protein forms G153R.
Identifiers: ClinVar variation 2078939 (VCV002078939.2), dbSNP rs538535999, ClinGen allele CA2125488.
Genomic context (GRCh38, chr2:219,444,721, plus strand): 5'-ACGGCTGAGGATGACATCAGCGATGTGCAGGGAACCCAGCGCCTGGAGCTTCGGGATGAC[G>A]GGGCCTTCAGCACCCCCACGGGTGAGCTCCTGGGGTGTACAAAGAGCAGGCAGGCGGGTT-3'
Protein context (NP_005867.3, residues 143-163): GTQRLELRDD[Gly153Arg]AFSTPTGGSD